The following is an entry in ClinVar:

NM_001271696.3(ABCB7):c.1183C>G (p.Leu395Val)

Gene: ABCB7 (ATP binding cassette subfamily B member 7; minus strand). Cytogenetic location: Xq13.3.
Variant type: single nucleotide variant.
Coding change: c.1183C>G on transcript NM_001271696.3 (MANE Select); coding-DNA position 1183, C replaced by G.
Protein change: p.Leu395Val; replaces leucine 395 with valine.
Molecular consequence: missense variant.
Genome position (GRCh38, 1-based): chrX:75,071,533, G>C on the plus strand (C>G on the coding strand, the complement: ABCB7 is on the minus strand). VCF-style: chrX-75071533-G-C. GRCh37 (hg19) VCF-style: chrX-74291368-G-C.
Other names: c.1063C>G, p.Leu355Val (NM_001271697.3); c.1105C>G, p.Leu369Val (NM_001271698.3); c.1066C>G, p.Leu356Val (NM_001271699.3); c.1186C>G, p.Leu396Val (NM_004299.6); c.1186C>G (NM_004299.3); short protein forms L355V, L356V, L369V, L395V, L396V.
Identifiers: ClinVar variation 3622574 (VCV003622574.3).

ClinVar aggregate classification (germline): Uncertain significance. Review status: criteria provided, multiple submitters, no conflicts (2 of 4 stars). 2 submissions from 2 submitters: Uncertain significance (2). Last evaluated 2025-07-23.

Conditions:
Inborn genetic diseases. Identifiers: MedGen C0950123, MeSH D030342.

gnomAD v4.1: 1 of 1,211,312 alleles (0.000083%); no homozygotes.

Submissions (2):

Labcorp Genetics (formerly Invitae), Labcorp
Classification: Uncertain significance. Last evaluated: 2025-07-23. Review status: criteria provided, single submitter. Criteria: Invitae Variant Classification Sherloc (09022015). Collection method: clinical testing. Allele origin: germline.
Comment: This sequence change replaces leucine, which is neutral and non-polar, with valine, which is neutral and non-polar, at codon 396 of the ABCB7 protein (p.Leu396Val). This variant is not present in population databases (gnomAD no frequency). This variant has not been reported in the literature in individuals affected with ABCB7-related conditions. ClinVar contains an entry for this variant (Variation ID: 3622574). An algorithm developed to predict the effect of missense changes on protein structure and function (PolyPhen-2) suggests that this variant is likely to be disruptive. In summary, the available evidence is currently insufficient to determine the role of this variant in disease. Therefore, it has been classified as a Variant of Uncertain Significance.

Ambry Genetics
Classification: Uncertain significance for Inborn genetic diseases. Last evaluated: 2025-04-03. Review status: criteria provided, single submitter. Criteria: Ambry Variant Classification Scheme 2023. Collection method: clinical testing. Allele origin: germline.